The following is an entry in ClinVar:

ClinVar aggregate classification (germline): Uncertain significance (1 of 4 stars; one submission).

Submission:

GeneDx
Classification: Uncertain significance. Last evaluated: 2024-04-12. Review status: criteria provided, single submitter. Criteria: GeneDx Variant Classification Process June 2021. Collection method: clinical testing. Allele origin: germline. Affected: yes.
Comment: Not observed at significant frequency in large population cohorts (gnomAD); In silico analysis indicates that this missense variant does not alter protein structure/function; Has not been previously published as pathogenic or benign to our knowledge

NM_002516.4(NOVA2):c.1087A>T (p.Asn363Tyr)

Gene: NOVA2 (NOVA alternative splicing regulator 2; minus strand). Cytogenetic location: 19q13.32.
Variant type: single nucleotide variant.
Coding change: c.1087A>T on transcript NM_002516.4 (MANE Select); coding-DNA position 1087, A replaced by T.
Protein change: p.Asn363Tyr; replaces asparagine 363 with tyrosine.
Molecular consequence: missense variant.
Genome position (GRCh38, 1-based): chr19:45,940,255, T>A on the plus strand (A>T on the coding strand, the complement: NOVA2 is on the minus strand). VCF-style: chr19-45940255-T-A. GRCh37 (hg19) VCF-style: chr19-46443513-T-A.
Other names: short protein forms N363Y.
Identifiers: ClinVar variation 3372464 (VCV003372464.1).
Genomic context (GRCh38, chr19:45,940,255, plus strand): 5'-CCACCAGCGGGCCGCCCCCTCCGCCCGCCCCGCCGCCCGCCCCGGCCCCGAGGTAGCCGT[T>A]GGCGGCTGCGGCCAACGCAAAGGACCCCAGGGCTCCGGGAGGCGGGGGCGGCGGCGGGGC-3'
Protein context (NP_002507.1, residues 353-373): LGSFALAAAA[Asn363Tyr]GYLGAGAGGG